The following is an entry in ClinVar:

ClinVar aggregate classification (germline): Uncertain significance. Review status: criteria provided, multiple submitters, no conflicts (2 of 4 stars). 2 submissions from 2 submitters: Uncertain significance (2). Last evaluated 2023-12-15.

Conditions:
Inborn genetic diseases. Identifiers: MedGen C0950123, MeSH D030342.

Allele frequency attached by ClinVar (database versions not stated): ExAC 0.00005; gnomAD exomes 0.00005; 1000 Genomes Project 30x 0.00016; 1000 Genomes Project 0.00020; TOPMed 0.00020; ESP Exome Variant Server 0.00023; gnomAD 0.00023 and 0.00026.
gnomAD v4.1: 56 of 1,613,866 alleles (0.0035%); highest among the groups gnomAD compares: African/African-American, 0.063%; no homozygotes.

Submissions (2):

Ambry Genetics
Classification: Uncertain significance for Inborn genetic diseases. Last evaluated: 2023-12-15. Review status: criteria provided, single submitter. Criteria: Ambry Variant Classification Scheme 2023. Collection method: clinical testing. Allele origin: germline.

Labcorp Genetics (formerly Invitae), Labcorp
Classification: Uncertain significance. Last evaluated: 2022-02-02. Review status: criteria provided, single submitter. Criteria: Invitae Variant Classification Sherloc (09022015). Collection method: clinical testing. Allele origin: germline.
Comment: This sequence change replaces proline, which is neutral and non-polar, with threonine, which is neutral and polar, at codon 623 of the ASPM protein (p.Pro623Thr). This variant is present in population databases (rs145625555, gnomAD 0.09%). This variant has not been reported in the literature in individuals affected with ASPM-related conditions. Algorithms developed to predict the effect of missense changes on protein structure and function (SIFT, PolyPhen-2, Align-GVGD) all suggest that this variant is likely to be tolerated. In summary, the available evidence is currently insufficient to determine the role of this variant in disease. Therefore, it has been classified as a Variant of Uncertain Significance.

NM_018136.5(ASPM):c.1867C>A (p.Pro623Thr)

Gene: ASPM (assembly factor for spindle microtubules; minus strand). Cytogenetic location: 1q31.3.
Variant type: single nucleotide variant.
Coding change: c.1867C>A on transcript NM_018136.5 (MANE Select); coding-DNA position 1867, C replaced by A.
Protein change: p.Pro623Thr; replaces proline 623 with threonine.
Molecular consequence: missense variant.
Genome position (GRCh38, 1-based): chr1:197,142,385, G>T on the plus strand (C>A on the coding strand, the complement: ASPM is on the minus strand). VCF-style: chr1-197142385-G-T. GRCh37 (hg19) VCF-style: chr1-197111515-G-T.
Other names: c.1867C>A, p.Pro623Thr (NM_001206846.2); c.1867C>A (NM_018136.4); short protein forms P623T.
Identifiers: ClinVar variation 1425425 (VCV001425425.7), dbSNP rs145625555, ClinGen allele CA1310634.